The following is an entry in ClinVar:

NM_000271.5(NPC1):c.3755-3T>C

Gene: NPC1 (NPC intracellular cholesterol transporter 1; minus strand). Cytogenetic location: 18q11.2.
Variant type: single nucleotide variant.
Coding change: c.3755-3T>C on transcript NM_000271.5 (MANE Select); 3 bases into the intron before coding-DNA position 3755, T replaced by C.
Molecular consequence: intron variant.
Genome position (GRCh38, 1-based): chr18:23,532,287, A>G on the plus strand (T>C on the coding strand, the complement: NPC1 is on the minus strand). VCF-style: chr18-23532287-A-G. GRCh37 (hg19) VCF-style: chr18-21112251-A-G.
Other names: c.3755-3T>C (NM_000271.4).
Identifiers: ClinVar variation 1347602 (VCV001347602.6), dbSNP rs748965235, ClinGen allele CA8912646.

ClinVar aggregate classification (germline): Uncertain significance. Review status: criteria provided, single submitter (1 of 4 stars). 3 submissions from 3 submitters: Uncertain significance (1). 2 of the submissions do not count toward it. Last evaluated 2021-11-28.

Conditions:
Niemann-Pick disease, type C1. Also called: NEUROVISCERAL STORAGE DISEASE WITH VERTICAL SUPRANUCLEAR OPHTHALMOPLEGIA; NIEMANN-PICK DISEASE WITH CHOLESTEROL ESTERIFICATION BLOCK; NIEMANN-PICK DISEASE WITHOUT SPHINGOMYELINASE DEFICIENCY; NIEMANN-PICK DISEASE, CHRONIC NEURONOPATHIC FORM; NIEMANN-PICK DISEASE, VARIANT TYPE C1. Identifiers: Orphanet 646, MedGen C3179455, MONDO:0009757, OMIM 257220.
NPC1-related disorder. Also called: NPC1-related condition.

Allele frequency attached by ClinVar (database versions not stated): gnomAD exomes below 0.00001; ExAC 0.00001.
gnomAD v4.1: 5 of 1,614,114 alleles (0.00031%); highest among the groups gnomAD compares: Non-Finnish European, 0.00042%; no homozygotes.

Submissions (3):

Labcorp Genetics (formerly Invitae), Labcorp
Classification: Uncertain significance for Niemann-Pick disease, type C1. Last evaluated: 2021-11-28. Review status: criteria provided, single submitter. Criteria: Invitae Variant Classification Sherloc (09022015). Collection method: clinical testing. Allele origin: germline.
Comment: This sequence change falls in intron 24 of the NPC1 gene. It does not directly change the encoded amino acid sequence of the NPC1 protein. It affects a nucleotide within the consensus splice site. This variant is present in population databases (rs748965235, gnomAD 0.0009%). This variant has not been reported in the literature in individuals affected with NPC1-related conditions. Variants that disrupt the consensus splice site are a relatively common cause of aberrant splicing (PMID: 17576681, 9536098). Algorithms developed to predict the effect of sequence changes on RNA splicing suggest that this variant is not likely to affect RNA splicing. In summary, the available evidence is currently insufficient to determine the role of this variant in disease. Therefore, it has been classified as a Variant of Uncertain Significance.

Natera, Inc.
Classification: Uncertain significance for Niemann-Pick disease type C1. Last evaluated: 2025-02-17. Review status: no assertion criteria provided. Collection method: clinical testing. Allele origin: germline. Not counted in ClinVar's aggregate classification.

PreventionGenetics, part of Exact Sciences
Classification: Likely benign for NPC1-related condition. Last evaluated: 2021-09-14. Review status: no assertion criteria provided. Collection method: clinical testing. Allele origin: germline. Not counted in ClinVar's aggregate classification.
Comment: This variant is classified as likely benign based on ACMG/AMP sequence variant interpretation guidelines (Richards et al. 2015 PMID: 25741868, with internal and published modifications).

Literature cited by the submitters: PubMed 17576681 (cited by Labcorp Genetics (formerly Invitae), Labcorp); PubMed 9536098 (cited by Labcorp Genetics (formerly Invitae), Labcorp).